The following is an entry in ClinVar:

ClinVar aggregate classification (germline): Uncertain significance (1 of 4 stars; one submission).

Submission:

Labcorp Genetics (formerly Invitae), Labcorp
Classification: Uncertain significance. Last evaluated: 2025-04-23. Review status: criteria provided, single submitter. Criteria: Invitae Variant Classification Sherloc (09022015). Collection method: clinical testing. Allele origin: germline.
Comment: This sequence change replaces alanine, which is neutral and non-polar, with proline, which is neutral and non-polar, at codon 767 of the DDR2 protein (p.Ala767Pro). This variant is not present in population databases (gnomAD no frequency). This variant has not been reported in the literature in individuals affected with DDR2-related conditions. An algorithm developed to predict the effect of missense changes on protein structure and function (PolyPhen-2) suggests that this variant is likely to be disruptive. In summary, the available evidence is currently insufficient to determine the role of this variant in disease. Therefore, it has been classified as a Variant of Uncertain Significance.

NM_006182.4(DDR2):c.2299G>C (p.Ala767Pro)

Gene: DDR2 (discoidin domain receptor tyrosine kinase 2; plus strand). Cytogenetic location: 1q23.3.
Variant type: single nucleotide variant.
Coding change: c.2299G>C on transcript NM_006182.4 (MANE Select); coding-DNA position 2299, G replaced by C.
Protein change: p.Ala767Pro; replaces alanine 767 with proline.
Molecular consequence: missense variant.
Genome position (GRCh38, 1-based): chr1:162,778,595, G>C. VCF-style: chr1-162778595-G-C. GRCh37 (hg19) VCF-style: chr1-162748385-G-C.
Other names: c.2299G>C, p.Ala767Pro (NM_001014796.3, NM_001354982.2, NM_001354983.2); short protein forms A767P.
Identifiers: ClinVar variation 4775420 (VCV004775420.1).